The following is an entry in ClinVar:

NM_003719.5(PDE8B):c.125G>C (p.Gly42Ala)

Gene: PDE8B (phosphodiesterase 8B; plus strand). Cytogenetic location: 5q13.3.
Variant type: single nucleotide variant.
Coding change: c.125G>C on transcript NM_003719.5 (MANE Select); coding-DNA position 125, G replaced by C.
Protein change: p.Gly42Ala; replaces glycine 42 with alanine.
Molecular consequence: missense variant. On other transcripts: 5 prime UTR variant (1), intron variant (13).
Genome position (GRCh38, 1-based): chr5:77,211,050, G>C. VCF-style: chr5-77211050-G-C. GRCh37 (hg19) VCF-style: chr5-76506875-G-C.
Other names: c.125G>C, p.Gly42Ala (NM_001029851.4, NM_001029852.4, NM_001029853.4 and 7 more transcripts); c.-245G>C (NM_001349753.2); c.36+30564G>C (NM_001349750.3, NM_001376069.1, NM_001376062.1 and 7 more transcripts); c.-34+1004G>C (NM_001376067.1, NM_001376075.1); c.-31+1004G>C (NM_001376068.1); short protein forms G42A.
Identifiers: ClinVar variation 354146 (VCV000354146.7), dbSNP rs886060754, ClinGen allele CA10624954.

ClinVar aggregate classification (germline): Uncertain significance. Review status: criteria provided, multiple submitters, no conflicts (2 of 4 stars). 3 submissions from 3 submitters: Uncertain significance (3). Last evaluated 2024-05-02.

Conditions:
Autosomal dominant striatal neurodegeneration type 1. Identifiers: Orphanet 228169, MedGen C4310808, MONDO:0012205, OMIM 609161.
Inborn genetic diseases. Identifiers: MedGen C0950123, MeSH D030342.

Allele frequency attached by ClinVar (database versions not stated): gnomAD exomes 0.00001; TOPMed 0.00001.
gnomAD v4.1: 10 of 1,533,050 alleles (0.00065%); highest among the groups gnomAD compares: Admixed American, 0.0039%; no homozygotes.

Submissions (3):

Ambry Genetics
Classification: Uncertain significance for Inborn genetic diseases. Last evaluated: 2024-05-02. Review status: criteria provided, single submitter. Criteria: Ambry Variant Classification Scheme 2023. Collection method: clinical testing. Allele origin: germline.

Women's Health and Genetics/Laboratory Corporation of America, LabCorp
Classification: Uncertain significance. Last evaluated: 2024-01-22. Review status: criteria provided, single submitter. Criteria: LabCorp Variant Classification Summary - May 2015. Collection method: clinical testing. Allele origin: germline.
Comment: Variant summary: PDE8B c.125G>C (p.Gly42Ala) results in a non-conservative amino acid change located in the 3'5'-cyclic nucleotide phosphodiesterase PDE8 (IPR013938) of the encoded protein sequence. Three of four in-silico tools predict a damaging effect of the variant on protein function. The variant allele was found at a frequency of 1.4e-05 in 141348 control chromosomes, predominantly at a frequency of 8.2e-05 within the Latino subpopulation in the gnomAD database. The available data on variant occurrences in the general population are insufficient to allow any conclusion about variant significance. To our knowledge, no occurrence of c.125G>C in individuals affected with PDE8B-Related Disorders and no experimental evidence demonstrating its impact on protein function have been reported. ClinVar contains an entry for this variant (Variation ID: 354146). Based on the evidence outlined above, the variant was classified as uncertain significance.

Illumina Laboratory Services, Illumina
Classification: Uncertain significance for Autosomal dominant striatal neurodegeneration type 1. Last evaluated: 2018-01-12. Review status: criteria provided, single submitter. Criteria: ICSL Variant Classification Criteria 13 December 2019. Collection method: clinical testing. Allele origin: germline.